The following is an entry in ClinVar:

NM_001844.5(COL2A1):c.222C>G (p.Asp74Glu)

Gene: COL2A1 (collagen type II alpha 1 chain; minus strand). Cytogenetic location: 12q13.11.
Variant type: single nucleotide variant.
Coding change: c.222C>G on transcript NM_001844.5 (MANE Select); coding-DNA position 222, C replaced by G.
Protein change: p.Asp74Glu; replaces aspartic acid 74 with glutamic acid.
Molecular consequence: missense variant. On other transcripts: intron variant (1).
Genome position (GRCh38, 1-based): chr12:47,999,989, G>C on the plus strand (C>G on the coding strand, the complement: COL2A1 is on the minus strand). VCF-style: chr12-47999989-G-C. GRCh37 (hg19) VCF-style: chr12-48393772-G-C.
Other names: c.86-1558C>G (NM_033150.3); short protein forms D74E.
Identifiers: ClinVar variation 2049821 (VCV002049821.4), dbSNP rs527800991, ClinGen allele CA384526103.

ClinVar aggregate classification (germline): Uncertain significance (1 of 4 stars; one submission).

Submission:

Labcorp Genetics (formerly Invitae), Labcorp
Classification: Uncertain significance. Last evaluated: 2021-12-20. Review status: criteria provided, single submitter. Criteria: Invitae Variant Classification Sherloc (09022015). Collection method: clinical testing. Allele origin: germline.
Comment: This sequence change replaces aspartic acid, which is acidic and polar, with glutamic acid, which is acidic and polar, at codon 74 of the COL2A1 protein (p.Asp74Glu). This variant is not present in population databases (gnomAD no frequency). This variant has not been reported in the literature in individuals affected with COL2A1-related conditions. Advanced modeling of protein sequence and biophysical properties (such as structural, functional, and spatial information, amino acid conservation, physicochemical variation, residue mobility, and thermodynamic stability) performed at Invitae indicates that this missense variant is not expected to disrupt COL2A1 protein function. In summary, the available evidence is currently insufficient to determine the role of this variant in disease. Therefore, it has been classified as a Variant of Uncertain Significance.